The following is an entry in ClinVar:

ClinVar aggregate classification (germline): Uncertain significance (1 of 4 stars; one submission).

Conditions:
Inborn genetic diseases. Identifiers: MedGen C0950123, MeSH D030342.

gnomAD v4.1: 3 of 1,613,952 alleles (0.00019%); highest among the groups gnomAD compares: East Asian, 0.0045%; no homozygotes.

Submission:

Ambry Genetics
Classification: Uncertain significance for Inborn genetic diseases. Last evaluated: 2025-02-26. Review status: criteria provided, single submitter. Criteria: Ambry Variant Classification Scheme 2023. Collection method: clinical testing. Allele origin: germline.
Comment: The p.L834V variant (also known as c.2500C>G), located in coding exon 26 of the FANCA gene, results from a C to G substitution at nucleotide position 2500. The leucine at codon 834 is replaced by valine, an amino acid with highly similar properties. This amino acid position is conserved. In addition, this alteration is predicted to be tolerated by in silico analysis. Based on the available evidence, the clinical significance of this variant remains unclear.

NM_000135.4(FANCA):c.2500C>G (p.Leu834Val)

Gene: FANCA (FA complementation group A; minus strand). Cytogenetic location: 16q24.3.
Variant type: single nucleotide variant.
Coding change: c.2500C>G on transcript NM_000135.4 (MANE Select); coding-DNA position 2500, C replaced by G.
Protein change: p.Leu834Val; replaces leucine 834 with valine.
Molecular consequence: missense variant.
Genome position (GRCh38, 1-based): chr16:89,769,841, G>C on the plus strand (C>G on the coding strand, the complement: FANCA is on the minus strand). VCF-style: chr16-89769841-G-C. GRCh37 (hg19) VCF-style: chr16-89836249-G-C.
Other names: c.2500C>G, p.Leu834Val (NM_001286167.3); short protein forms L834V.
Identifiers: ClinVar variation 3848267 (VCV003848267.1).